The following is an entry in ClinVar:

ClinVar aggregate classification (germline): Conflicting classifications of pathogenicity. Review status: criteria provided, conflicting classifications (1 of 4 stars). 3 submissions from 3 submitters: Uncertain significance (1); Likely benign (2). Last evaluated 2024-08-01.

Conditions:
Charcot-Marie-Tooth disease type 4. Also called: Charcot-Marie-Tooth disease, type IV; Charcot-Marie-Tooth, Type 4. Identifiers: Orphanet 64749, MedGen C4082197, MONDO:0018995.

Allele frequency attached by ClinVar (database versions not stated): TOPMed 0.00002; gnomAD 0.00003 and 0.00004; ExAC 0.00005; gnomAD exomes 0.00005.
gnomAD v4.1: 67 of 1,614,018 alleles (0.0042%); highest among the groups gnomAD compares: South Asian, 0.027%; no homozygotes.

Submissions (3):

CeGaT Center for Human Genetics Tuebingen
Classification: Likely benign. Last evaluated: 2024-08-01. Review status: criteria provided, single submitter. Criteria: CeGaT Center For Human Genetics Tuebingen Variant Classification Criteria Version 2. Collection method: clinical testing. Allele origin: germline. Affected: yes. Observed: 2 variant alleles.
Comment: SH3TC2: BP4, BP7

Labcorp Genetics (formerly Invitae), Labcorp
Classification: Likely benign for Charcot-Marie-Tooth disease type 4. Last evaluated: 2023-12-07. Review status: criteria provided, single submitter. Criteria: Invitae Variant Classification Sherloc (09022015). Collection method: clinical testing. Allele origin: germline.

Athena Diagnostics
Classification: Uncertain significance. Last evaluated: 2020-11-20. Review status: criteria provided, single submitter. Criteria: Athena Diagnostics criteria. Collection method: clinical testing. Allele origin: unknown.

NM_024577.4(SH3TC2):c.3150G>A (p.Ala1050=)

Gene: SH3TC2 (SH3 domain and tetratricopeptide repeats 2; minus strand). Cytogenetic location: 5q32.
Variant type: single nucleotide variant.
Coding change: c.3150G>A on transcript NM_024577.4 (MANE Select); coding-DNA position 3150, G replaced by A.
Protein change: p.Ala1050=; no amino-acid change (alanine 1050 retained).
Molecular consequence: synonymous variant.
Genome position (GRCh38, 1-based): chr5:149,012,638, C>T on the plus strand (G>A on the coding strand, the complement: SH3TC2 is on the minus strand). VCF-style: chr5-149012638-C-T. GRCh37 (hg19) VCF-style: chr5-148392201-C-T.
Identifiers: ClinVar variation 624070 (VCV000624070.55), dbSNP rs768044718, ClinGen allele CA3498839.